The following is an entry in ClinVar:

ClinVar aggregate classification (germline): Uncertain significance (1 of 4 stars; one submission).

Conditions:
Primary ciliary dyskinesia. Also called: Ciliary dyskinesia. Identifiers: Orphanet 244, MedGen C0008780, MONDO:0016575, HP:0012265.

Allele frequency attached by ClinVar (database versions not stated): gnomAD exomes below 0.00001; ExAC 0.00001; TOPMed 0.00001.
gnomAD v4.1: 1 of 1,613,980 alleles (0.000062%); highest among the groups gnomAD compares: Non-Finnish European, 0.000085%; no homozygotes.

Submission:

Labcorp Genetics (formerly Invitae), Labcorp
Classification: Uncertain significance for Primary ciliary dyskinesia. Last evaluated: 2022-08-15. Review status: criteria provided, single submitter. Criteria: Invitae Variant Classification Sherloc (09022015). Collection method: clinical testing. Allele origin: germline.
Comment: This sequence change replaces aspartic acid, which is acidic and polar, with asparagine, which is neutral and polar, at codon 1045 of the CCDC40 protein (p.Asp1045Asn). This variant is present in population databases (rs755442488, gnomAD 0.006%). This variant has not been reported in the literature in individuals affected with CCDC40-related conditions. Algorithms developed to predict the effect of missense changes on protein structure and function are either unavailable or do not agree on the potential impact of this missense change (SIFT: "Tolerated"; PolyPhen-2: "Possibly Damaging"; Align-GVGD: "Class C0"). In summary, the available evidence is currently insufficient to determine the role of this variant in disease. Therefore, it has been classified as a Variant of Uncertain Significance.

NM_017950.4(CCDC40):c.3133G>A (p.Asp1045Asn)

Gene: CCDC40 (coiled-coil domain 40 molecular ruler complex subunit; plus strand). Cytogenetic location: 17q25.3.
Variant type: single nucleotide variant.
Coding change: c.3133G>A on transcript NM_017950.4 (MANE Select); coding-DNA position 3133, G replaced by A.
Protein change: p.Asp1045Asn; replaces aspartic acid 1045 with asparagine.
Molecular consequence: missense variant.
Genome position (GRCh38, 1-based): chr17:80,097,356, G>A. VCF-style: chr17-80097356-G-A. GRCh37 (hg19) VCF-style: chr17-78071155-G-A.
Other names: short protein forms D1045N.
Identifiers: ClinVar variation 2080068 (VCV002080068.1), dbSNP rs755442488, ClinGen allele CA8814628.